The following is an entry in ClinVar:

ClinVar aggregate classification (germline): Uncertain significance. Review status: criteria provided, multiple submitters, no conflicts (2 of 4 stars). 2 submissions from 2 submitters: Uncertain significance (2). Last evaluated 2026-08-17.

Conditions:
Saldino-Mainzer syndrome (SRTD9). Also called: SHORT-RIB THORACIC DYSPLASIA 9 WITHOUT POLYDACTYLY; Renal dysplasia, retinal pigmentary dystrophy, cerebellar ataxia and skeletal dysplasia; short-rib thoracic dysplasia 9 with or without polydactyly; CONORENAL SYNDROME. Identifiers: Orphanet 140969, MedGen C1849437, MONDO:0009964, OMIM 266920.

Allele frequency attached by ClinVar (database versions not stated): gnomAD exomes 0.00002; ESP Exome Variant Server 0.00008.
gnomAD v4.1: 56 of 1,613,622 alleles (0.0035%); highest among the groups gnomAD compares: Non-Finnish European, 0.0047%; no homozygotes.

Submissions (2):

GeneDx
Classification: Uncertain significance. Last evaluated: 2026-08-17. Review status: criteria provided, single submitter. Criteria: GeneDx Variant Classification Process June 2021. Collection method: clinical testing. Allele origin: germline.
Comment: In silico analysis suggests that this missense variant does not alter protein structure/function; Has not been previously published as pathogenic or benign to our knowledge

Labcorp Genetics (formerly Invitae), Labcorp
Classification: Uncertain significance for Saldino-Mainzer syndrome. Last evaluated: 2022-03-10. Review status: criteria provided, single submitter. Criteria: Invitae Variant Classification Sherloc (09022015). Collection method: clinical testing. Allele origin: germline.
Comment: This sequence change replaces histidine, which is basic and polar, with glutamine, which is neutral and polar, at codon 414 of the IFT140 protein (p.His414Gln). This variant is present in population databases (rs142143011, gnomAD 0.003%). This variant has not been reported in the literature in individuals affected with IFT140-related conditions. Algorithms developed to predict the effect of missense changes on protein structure and function (SIFT, PolyPhen-2, Align-GVGD) all suggest that this variant is likely to be tolerated. Algorithms developed to predict the effect of sequence changes on RNA splicing suggest that this variant may create or strengthen a splice site. In summary, the available evidence is currently insufficient to determine the role of this variant in disease. Therefore, it has been classified as a Variant of Uncertain Significance.

NM_014714.4(IFT140):c.1242C>G (p.His414Gln)

Genes: IFT140 (intraflagellar transport 140; minus strand), LOC105371046 (uncharacterized LOC105371046; plus strand). Cytogenetic location: 16p13.3.
Variant type: single nucleotide variant.
Coding change: c.1242C>G on transcript NM_014714.4 (MANE Select); coding-DNA position 1242, C replaced by G.
Protein change: p.His414Gln; replaces histidine 414 with glutamine.
Molecular consequence: missense variant.
Genome position (GRCh38, 1-based): chr16:1,584,334, G>C on the plus strand (C>G on the coding strand, the complement: IFT140 is on the minus strand). VCF-style: chr16-1584334-G-C. GRCh37 (hg19) VCF-style: chr16-1634335-G-C.
Other names: c.1242C>G (NM_014714.3); short protein forms H414Q.
Identifiers: ClinVar variation 1429845 (VCV001429845.8), dbSNP rs142143011, ClinGen allele CA276680459.